The following is an entry in ClinVar:

NM_021098.3(CACNA1H):c.2452-3C>T

Gene: CACNA1H (calcium voltage-gated channel subunit alpha1 H; plus strand). Cytogenetic location: 16p13.3.
Variant type: single nucleotide variant.
Coding change: c.2452-3C>T on transcript NM_021098.3 (MANE Select); 3 bases into the intron before coding-DNA position 2452, C replaced by T.
Molecular consequence: intron variant.
Genome position (GRCh38, 1-based): chr16:1,205,111, C>T. VCF-style: chr16-1205111-C-T. GRCh37 (hg19) VCF-style: chr16-1255111-C-T.
Other names: c.2452-3C>T (NM_001005407.2).
Identifiers: ClinVar variation 1433230 (VCV001433230.6), dbSNP rs372018213, ClinGen allele CA7800293.

ClinVar aggregate classification (germline): Uncertain significance (1 of 4 stars; one submission).

Conditions:
Idiopathic generalized epilepsy. Also called: EIG; Generalised epilepsy. Identifiers: MedGen C0270850, MONDO:0005579, OMIM 600669.
Hyperaldosteronism, familial, type IV (HALD4). Also called: FH IV; ALDOSTERONISM, PRIMARY, AND HYPERTENSION. Identifiers: Orphanet 642671, MedGen C4310756, MONDO:0014875, OMIM 617027.

Allele frequency attached by ClinVar (database versions not stated): gnomAD exomes below 0.00001; ESP Exome Variant Server 0.00008.
gnomAD v4.1: 8 of 1,610,022 alleles (0.0005%); highest among the groups gnomAD compares: South Asian, 0.0011%; no homozygotes.

Submission:

Labcorp Genetics (formerly Invitae), Labcorp
Classification: Uncertain significance for Idiopathic generalized epilepsy; Hyperaldosteronism, familial, type IV. Last evaluated: 2024-10-15. Review status: criteria provided, single submitter. Criteria: Invitae Variant Classification Sherloc (09022015). Collection method: clinical testing. Allele origin: germline.
Comment: This sequence change falls in intron 10 of the CACNA1H gene. It does not directly change the encoded amino acid sequence of the CACNA1H protein. It affects a nucleotide within the consensus splice site. This variant is present in population databases (rs372018213, gnomAD 0.003%). This variant has not been reported in the literature in individuals affected with CACNA1H-related conditions. ClinVar contains an entry for this variant (Variation ID: 1433230). Variants that disrupt the consensus splice site are a relatively common cause of aberrant splicing (PMID: 17576681, 9536098). Algorithms developed to predict the effect of sequence changes on RNA splicing suggest that this variant is not likely to affect RNA splicing. In summary, the available evidence is currently insufficient to determine the role of this variant in disease. Therefore, it has been classified as a Variant of Uncertain Significance.

Literature cited by the submitters: PubMed 17576681; PubMed 9536098.